The following is an entry in ClinVar:

NM_001276270.2(MBD4):c.99C>T (p.Asp33=)

Gene: MBD4 (methyl-CpG binding domain 4, DNA glycosylase; minus strand). Cytogenetic location: 3q21.3.
Variant type: single nucleotide variant.
Coding change: c.99C>T on transcript NM_001276270.2 (MANE Select); coding-DNA position 99, C replaced by T.
Protein change: p.Asp33=; no amino-acid change (aspartic acid 33 retained).
Molecular consequence: synonymous variant.
Genome position (GRCh38, 1-based): chr3:129,439,735, G>A on the plus strand (C>T on the coding strand, the complement: MBD4 is on the minus strand). VCF-style: chr3-129439735-G-A. GRCh37 (hg19) VCF-style: chr3-129158578-G-A.
Other names: c.99C>T, p.Asp33= (NM_001276271.2, NM_001276272.2, NM_001276273.2 and 1 more transcripts).
Identifiers: ClinVar variation 3870910 (VCV003870910.2).

ClinVar aggregate classification (germline): Benign/Likely benign. Review status: criteria provided, multiple submitters, no conflicts (2 of 4 stars). 2 submissions from 2 submitters: Benign (1); Likely benign (1). Last evaluated 2026-06-09.

Conditions:
Inborn genetic diseases. Identifiers: MedGen C0950123, MeSH D030342.
Tumor predisposition syndrome 2 (TPDS2). Also called: MBD4-Related Tumor Predisposition Syndrome; MBD4-associated neoplasia syndrome (MANS); MBD4-ASSOCIATED NEOPLASIA SYNDROME. Identifiers: Orphanet 661526, MedGen C5774186, MONDO:0859267, OMIM 619975.

gnomAD v4.1: 2 of 1,582,392 alleles (0.00013%); no homozygotes.

Submissions (2):

Myriad Genetics, Inc.
Classification: Benign for Tumor predisposition syndrome 2. Last evaluated: 2026-06-09. Review status: criteria provided, single submitter. Criteria: Myriad Autosomal Dominant, Autosomal Recessive and X-Linked Classification Criteria (2023). Collection method: clinical testing. Allele origin: unknown.
Comment: This variant is considered benign. This variant is a silent/synonymous amino acid change and it is not expected to impact splicing.

Ambry Genetics
Classification: Likely benign for Inborn genetic diseases. Last evaluated: 2025-01-23. Review status: criteria provided, single submitter. Criteria: Ambry Variant Classification Scheme 2023. Collection method: clinical testing. Allele origin: germline.